The following is an entry in ClinVar:

ClinVar aggregate classification (germline): Benign (1 of 4 stars; one submission).

Conditions:
CBL-related disorder. Also called: NOONAN SYNDROME-LIKE DISORDER WITHOUT JUVENILE MYELOMONOCYTIC LEUKEMIA; CBL MUTATION-ASSOCIATED SYNDROME; CBL SYNDROME. Identifiers: Orphanet 363972, MedGen C3150803, MONDO:0013308, OMIM 613563.

Allele frequency attached by ClinVar (database versions not stated): gnomAD exomes 0.00208; 1000 Genomes Project 30x 0.01077; 1000 Genomes Project 0.01118; gnomAD 0.01225 and 0.01317; TOPMed 0.01323.
gnomAD v4.1: 2,010 of 229,218 alleles (0.88%); highest among the groups gnomAD compares: African/African-American, 4.1%; 43 homozygotes.

Submission:

Illumina Laboratory Services, Illumina
Classification: Benign for CBL-related disorder. Last evaluated: 2018-01-13. Review status: criteria provided, single submitter. Criteria: ICSL Variant Classification Criteria 13 December 2019. Collection method: clinical testing. Allele origin: germline.
Comment: This variant was observed in the ICSL laboratory as part of a predisposition screen in an ostensibly healthy population. It had not been previously curated by ICSL or reported in the Human Gene Mutation Database (HGMD: prior to June 1st, 2018), and was therefore a candidate for classification through an automated scoring system. Utilizing variant allele frequency, disease prevalence and penetrance estimates, and inheritance mode, an automated score was calculated to assess if this variant is too frequent to cause the disease. Based on the score and internal cut-off values, a variant classified as benign is not then subjected to further curation. The score for this variant resulted in a classification of benign for this disease.

NM_005188.4(CBL):c.*3167G>A

Gene: CBL (Cbl proto-oncogene; plus strand). Cytogenetic location: 11q23.3.
Variant type: single nucleotide variant.
Coding change: c.*3167G>A on transcript NM_005188.4 (MANE Select); 3167 bases downstream of the stop codon, G replaced by A.
Molecular consequence: 3 prime UTR variant.
Genome position (GRCh38, 1-based): chr11:119,302,948, G>A. VCF-style: chr11-119302948-G-A. GRCh37 (hg19) VCF-style: chr11-119173658-G-A.
Identifiers: ClinVar variation 302832 (VCV000302832.5), dbSNP rs145419944, ClinGen allele CA10637904.
Genomic context (GRCh38, chr11:119,302,948, plus strand): 5'-CTGCATAATCTACCATTCTTCTCCTCTCTTTCTCTTCTTATACAGACCCTCATTACTGGG[G>A]CCCAAGATGTGGGATACTACTGTTAGTATTATTTAACTATTTTGTAGATTTAAAAGATTT-3'